The following is an entry in ClinVar:

NM_015346.4(ZFYVE26):c.2498C>T (p.Pro833Leu)

Gene: ZFYVE26 (zinc finger FYVE-type containing 26; minus strand). Cytogenetic location: 14q24.1.
Variant type: single nucleotide variant.
Coding change: c.2498C>T on transcript NM_015346.4 (MANE Select); coding-DNA position 2498, C replaced by T.
Protein change: p.Pro833Leu; replaces proline 833 with leucine.
Molecular consequence: missense variant.
Genome position (GRCh38, 1-based): chr14:67,793,663, G>A on the plus strand (C>T on the coding strand, the complement: ZFYVE26 is on the minus strand). VCF-style: chr14-67793663-G-A. GRCh37 (hg19) VCF-style: chr14-68260380-G-A.
Other names: short protein forms P833L.
Identifiers: ClinVar variation 1711372 (VCV001711372.30), dbSNP rs765618778, ClinGen allele CA7240260.
Genomic context (GRCh38, chr14:67,793,663, plus strand): 5'-CTCACCTGATGGGCTTCTGCGAAGTTCCCGCGAAGGATGCAGGATGCCAGCAGTGACTCA[G>A]GTGGGGAGAACATCATGGGGATGAGTGAACTTTGAGGATGGGGGTGCAATCTACTGTGCA-3'
Protein context (NP_056161.2, residues 823-843): SSLIPMMFSP[Pro833Leu]ESLLASCILR

ClinVar aggregate classification (germline): Uncertain significance (1 of 4 stars; one submission).

Allele frequency attached by ClinVar (database versions not stated): ExAC 0.00001.

Submission:

CeGaT Center for Human Genetics Tuebingen
Classification: Uncertain significance. Last evaluated: 2022-08-01. Review status: criteria provided, single submitter. Criteria: CeGaT Center For Human Genetics Tuebingen Variant Classification Criteria Version 2. Collection method: clinical testing. Allele origin: germline. Affected: yes. Observed: 1 variant allele.
Comment: ZFYVE26: PM2